The following is an entry in ClinVar:

NM_003072.5(SMARCA4):c.719_720insTGGCCCTGGCCCCGGCCCGGGTCCCGGCCC (p.229GP[13])

Gene: SMARCA4 (SWI/SNF related BAF chromatin remodeling complex subunit ATPase 4; plus strand). Cytogenetic location: 19p13.2.
Variant type: Insertion.
Coding change: c.719_720insTGGCCCTGGCCCCGGCCCGGGTCCCGGCCC on transcript NM_003072.5 (MANE Select); coding-DNA positions 719 to 720, TGGCCCTGGCCCCGGCCCGGGTCCCGGCCC inserted.
Protein change: p.229GP[13].
Molecular consequence: inframe insertion. On other transcripts: non-coding transcript variant (1).
Genome position: GRCh38 VCF-style: chr19-10986544-C-CCCCGGCCCTGGCCCTGGCCCCGGCCCGGGT. GRCh37 (hg19) VCF-style: chr19-11097220-C-CCCCGGCCCTGGCCCTGGCCCCGGCCCGGGT.
Other names: c.719_720insTGGCCCTGGCCCCGGCCCGGGTCCCGGCCC, p.229GP[13] (NM_001128844.3, NM_001128845.2, NM_001128846.2 and 5 more transcripts).
Identifiers: ClinVar variation 1038981 (VCV001038981.8), dbSNP rs2086056046, ClinGen allele CA2322707829.

ClinVar aggregate classification (germline): Uncertain significance (1 of 4 stars; one submission).

Conditions:
Rhabdoid tumor predisposition syndrome 2 (RTPS2). Identifiers: Orphanet 231108, Orphanet 69077, MedGen C2750074, MONDO:0013224, OMIM 613325.

Submission:

Labcorp Genetics (formerly Invitae), Labcorp
Classification: Uncertain significance for Rhabdoid tumor predisposition syndrome 2. Last evaluated: 2020-04-21. Review status: criteria provided, single submitter. Criteria: Invitae Variant Classification Sherloc (09022015). Collection method: clinical testing. Allele origin: germline.
Comment: In summary, the available evidence is currently insufficient to determine the role of this variant in disease. Therefore, it has been classified as a Variant of Uncertain Significance. Experimental studies and prediction algorithms are not available or were not evaluated, and the functional significance of this variant is currently unknown. This variant has not been reported in the literature in individuals with SMARCA4-related conditions. The frequency data for this variant in the population databases is considered unreliable, as metrics indicate insufficient coverage at this position in the ExAC database. This variant, c.719_720ins30, results in the insertion of 10 amino acid(s) to the SMARCA4 protein (p.Gly235_Pro244dup), but otherwise preserves the integrity of the reading frame.